The following is an entry in ClinVar:

ClinVar aggregate classification (germline): Conflicting classifications of pathogenicity. Review status: criteria provided, conflicting classifications (1 of 4 stars). 2 submissions from 2 submitters: Likely pathogenic (1); Uncertain significance (1). Last evaluated 2024-08-31.

Conditions:
Wilson disease (WND). Also called: Wilson's disease. Identifiers: Orphanet 905, MedGen C0019202, MONDO:0010200, OMIM 277900. Disease mechanism: loss of function.

Submissions (2):

All of Us Research Program, National Institutes of Health
Classification: Uncertain significance for Wilson disease. Last evaluated: 2024-08-31. Review status: criteria provided, single submitter. Criteria: ACMG Guidelines, 2015. Collection method: clinical testing. Allele origin: germline. Inheritance: Autosomal recessive inheritance. Observed: 1 variant allele, 1 heterozygote.
Comment: This study involves interpretation of variants in research participants for the purpose of population health screening. Participant phenotype was not available at the time of variant classification. Additional details can be found in publication PMID: 35346344, PMCID: PMC8962531

Inborn Errors of Metabolism Laboratory, Hospices Civils de Lyon
Classification: Likely pathogenic for Wilson disease. Last evaluated: 2021-06-01. Review status: criteria provided, single submitter. Criteria: ACMG Guidelines, 2015. Collection method: clinical testing. Allele origin: germline. Affected: yes. Observed: 4 variant alleles.

Literature cited by the submitters: PubMed 22677543 (cited by Inborn Errors of Metabolism Laboratory, Hospices Civils de Lyon).

NM_000053.4(ATP7B):c.3059A>G (p.Lys1020Arg)

Gene: ATP7B (ATPase copper transporting beta; minus strand). Cytogenetic location: 13q14.3.
Variant type: single nucleotide variant.
Coding change: c.3059A>G on transcript NM_000053.4 (MANE Select); coding-DNA position 3059, A replaced by G.
Protein change: p.Lys1020Arg; replaces lysine 1020 with arginine.
Molecular consequence: missense variant.
Genome position (GRCh38, 1-based): chr13:51,946,285, T>C on the plus strand (A>G on the coding strand, the complement: ATP7B is on the minus strand). VCF-style: chr13-51946285-T-C. GRCh37 (hg19) VCF-style: chr13-52520421-T-C.
Other names: c.2438A>G, p.Lys813Arg (NM_001005918.3); c.2726A>G, p.Lys909Arg (NM_001243182.2); c.2825A>G, p.Lys942Arg (NM_001330578.2); c.2807A>G, p.Lys936Arg (NM_001330579.2); short protein forms K1020R, K813R, K909R, K936R, K942R.
Identifiers: ClinVar variation 1162209 (VCV001162209.2), dbSNP rs2139046115, ClinGen allele CA388031707.